The following is an entry in ClinVar:

ClinVar aggregate classification (germline): Uncertain significance (1 of 4 stars; one submission).

Allele frequency attached by ClinVar (database versions not stated): gnomAD exomes below 0.00001.
gnomAD v4.1: 1 of 1,614,182 alleles (0.000062%); highest among the groups gnomAD compares: African/African-American, 0.0013%; no homozygotes.

Submission:

Labcorp Genetics (formerly Invitae), Labcorp
Classification: Uncertain significance. Last evaluated: 2022-08-21. Review status: criteria provided, single submitter. Criteria: Invitae Variant Classification Sherloc (09022015). Collection method: clinical testing. Allele origin: germline.
Comment: This sequence change replaces serine, which is neutral and polar, with proline, which is neutral and non-polar, at codon 1570 of the NBAS protein (p.Ser1570Pro). This variant is not present in population databases (gnomAD no frequency). This variant has not been reported in the literature in individuals affected with NBAS-related conditions. Algorithms developed to predict the effect of missense changes on protein structure and function (SIFT, PolyPhen-2, Align-GVGD) all suggest that this variant is likely to be disruptive. In summary, the available evidence is currently insufficient to determine the role of this variant in disease. Therefore, it has been classified as a Variant of Uncertain Significance.

NM_015909.4(NBAS):c.4708T>C (p.Ser1570Pro)

Gene: NBAS (NBAS subunit of NRZ tethering complex; minus strand). Cytogenetic location: 2p24.3.
Variant type: single nucleotide variant.
Coding change: c.4708T>C on transcript NM_015909.4 (MANE Select); coding-DNA position 4708, T replaced by C.
Protein change: p.Ser1570Pro; replaces serine 1570 with proline.
Molecular consequence: missense variant. On other transcripts: non-coding transcript variant (1).
Genome position (GRCh38, 1-based): chr2:15,308,305, A>G on the plus strand (T>C on the coding strand, the complement: NBAS is on the minus strand). VCF-style: chr2-15308305-A-G. GRCh37 (hg19) VCF-style: chr2-15448429-A-G.
Other names: short protein forms S1570P.
Identifiers: ClinVar variation 1973395 (VCV001973395.2), dbSNP rs2528283556, ClinGen allele CA345893359.
Genomic context (GRCh38, chr2:15,308,305, plus strand): 5'-AACATGGGGCCAATCGGGCATAGATCTGGAGGCTATAGTAATACGCTGCCAGCTGGAGAG[A>G]TAATGCAGAGGGGGACTGCTTTTCAAAGCACCGGTTAGCATCTAACACCTAGGAGGGAAC-3'
Protein context (NP_056993.2, residues 1560-1580): CFEKQSPSAL[Ser1570Pro]LQLAAYYYSL